The following is an entry in ClinVar:

ClinVar aggregate classification (germline): Uncertain significance. Review status: criteria provided, multiple submitters, no conflicts (2 of 4 stars). 2 submissions from 2 submitters: Uncertain significance (2). Last evaluated 2024-03-05.

Allele frequency attached by ClinVar (database versions not stated): gnomAD exomes 0.00004; gnomAD 0.00005; TOPMed 0.00008.
gnomAD v4.1: 66 of 1,541,720 alleles (0.0043%); highest among the groups gnomAD compares: Non-Finnish European, 0.0057%; no homozygotes.

Submissions (2):

Labcorp Genetics (formerly Invitae), Labcorp
Classification: Uncertain significance. Last evaluated: 2024-03-05. Review status: criteria provided, single submitter. Criteria: Invitae Variant Classification Sherloc (09022015). Collection method: clinical testing. Allele origin: germline.
Comment: This sequence change replaces valine, which is neutral and non-polar, with alanine, which is neutral and non-polar, at codon 494 of the LSR protein (p.Val494Ala). This variant is present in population databases (no rsID available, gnomAD 0.006%). This variant has not been reported in the literature in individuals affected with LSR-related conditions. ClinVar contains an entry for this variant (Variation ID: 2393444). An algorithm developed to predict the effect of missense changes on protein structure and function (PolyPhen-2) suggests that this variant is likely to be disruptive. In summary, the available evidence is currently insufficient to determine the role of this variant in disease. Therefore, it has been classified as a Variant of Uncertain Significance.

Ambry Genetics
Classification: Uncertain significance. Last evaluated: 2021-10-26. Review status: criteria provided, single submitter. Criteria: Ambry Variant Classification Scheme 2023. Collection method: clinical testing. Allele origin: germline.

NM_205834.4(LSR):c.1337T>C (p.Val446Ala)

Gene: LSR (lipolysis stimulated lipoprotein receptor; plus strand). Cytogenetic location: 19q13.12.
Variant type: single nucleotide variant.
Coding change: c.1337T>C on transcript NM_205834.4 (MANE Select); coding-DNA position 1337, T replaced by C.
Protein change: p.Val446Ala; replaces valine 446 with alanine.
Molecular consequence: missense variant.
Genome position (GRCh38, 1-based): chr19:35,267,301, T>C. VCF-style: chr19-35267301-T-C. GRCh37 (hg19) VCF-style: chr19-35758204-T-C.
Other names: c.1277T>C, p.Val426Ala (NM_001260489.2); c.1013T>C, p.Val338Ala (NM_001260490.2); c.1130T>C, p.Val377Ala (NM_001385215.1); c.1280T>C, p.Val427Ala (NM_015925.7); c.1133T>C, p.Val378Ala (NM_205835.4); short protein forms V426A, V427A, V338A, V378A, V446A, V377A.
Identifiers: ClinVar variation 2393444 (VCV002393444.4), dbSNP rs1168659903, ClinGen allele CA405290015.
Genomic context (GRCh38, chr19:35,267,301, plus strand): 5'-AGCCCGCCAGGGAGCAGGCAGGCGGGGGCTGGCGGGCCAGGCGGCCCCGGGCCCGCTCCG[T>C]GGACGCCCTGGACGACCTCACCCCGCCGAGCACCGCCGAGTCAGGGAGCAGGTCTCCCAC-3'
Protein context (NP_991403.2, residues 436-456): WRARRPRARS[Val446Ala]DALDDLTPPS